The following is an entry in ClinVar:

ClinVar aggregate classification (germline): Uncertain significance (1 of 4 stars; one submission).

Conditions:
Inborn genetic diseases. Identifiers: MedGen C0950123, MeSH D030342.

Submission:

Ambry Genetics
Classification: Uncertain significance for Inborn genetic diseases. Last evaluated: 2026-04-18. Review status: criteria provided, single submitter. Criteria: Ambry Variant Classification Scheme 2023. Collection method: clinical testing. Allele origin: germline.
Comment: The p.D498V variant (also known as c.1493A>T), located in coding exon 11 of the MIB1 gene, results from an A to T substitution at nucleotide position 1493. The aspartic acid at codon 498 is replaced by valine, an amino acid with highly dissimilar properties. This amino acid position is conserved. In addition, this alteration is predicted to be deleterious by in silico analysis. Based on the available evidence, the clinical significance of this variant remains unclear.

NM_020774.4(MIB1):c.1493A>T (p.Asp498Val)

Gene: MIB1 (MIB E3 ubiquitin protein ligase 1; plus strand). Cytogenetic location: 18q11.2.
Variant type: single nucleotide variant.
Coding change: c.1493A>T on transcript NM_020774.4 (MANE Select); coding-DNA position 1493, A replaced by T.
Protein change: p.Asp498Val; replaces aspartic acid 498 with valine.
Molecular consequence: missense variant.
Genome position (GRCh38, 1-based): chr18:21,815,629, A>T. VCF-style: chr18-21815629-A-T. GRCh37 (hg19) VCF-style: chr18-19395590-A-T.
Other names: short protein forms D498V.
Identifiers: ClinVar variation 4860026 (VCV004860026.1).
Genomic context (GRCh38, chr18:21,815,629, plus strand): 5'-TTCTTTCTAAAATATTCACTAATTCACATTTCAATACTAATGATTAGGATAAAGATGGTG[A>T]TAGAGCAGTTCACCATGCAGCTTTTGGAGATGAAGGCGCTGTTATAGAAGTACTACATCG-3'
Protein context (NP_065825.1, residues 488-508): VDVEAEDKDG[Asp498Val]RAVHHAAFGD